The following is an entry in ClinVar:

NM_000574.5(CD55):c.982A>G (p.Thr328Ala)

Gene: CD55 (CD55 molecule (Cromer blood group); plus strand). Cytogenetic location: 1q32.2.
Variant type: single nucleotide variant.
Coding change: c.982A>G on transcript NM_000574.5 (MANE Select); coding-DNA position 982, A replaced by G.
Protein change: p.Thr328Ala; replaces threonine 328 with alanine.
Molecular consequence: missense variant. On other transcripts: non-coding transcript variant (1).
Genome position (GRCh38, 1-based): chr1:207,337,331, A>G. VCF-style: chr1-207337331-A-G. GRCh37 (hg19) VCF-style: chr1-207510676-A-G.
Other names: c.982A>G, p.Thr328Ala (NM_001114752.3, NM_001300902.2, NM_001300903.2 and 1 more transcripts); short protein forms T328A.
Identifiers: ClinVar variation 4811065 (VCV004811065.1).
Genomic context (GRCh38, chr1:207,337,331, plus strand): 5'-TCCCCAGTGACTAATGGTCTCAAGAGTACACAAAGATTCCCTTCTGCTCATATTACAGCA[A>G]CACGGAGTACACCTGTTTCCAGGACAACCAAGCATTTTCATGAAACAACCCCAAATAAAG-3'
Protein context (NP_000565.1, residues 318-338): TKTTTPNAQA[Thr328Ala]RSTPVSRTTK

ClinVar aggregate classification (germline): Uncertain significance (1 of 4 stars; one submission).

Submission:

Labcorp Genetics (formerly Invitae), Labcorp
Classification: Uncertain significance. Last evaluated: 2026-01-06. Review status: criteria provided, single submitter. Criteria: Invitae Variant Classification Sherloc (09022015). Collection method: clinical testing. Allele origin: germline.
Comment: This sequence change replaces threonine, which is neutral and polar, with alanine, which is neutral and non-polar, at codon 328 of the CD55 protein (p.Thr328Ala). This variant is not present in population databases (gnomAD no frequency). This variant has not been reported in the literature in individuals affected with CD55-related conditions. An algorithm developed to predict the effect of missense changes on protein structure and function outputs the following: PolyPhen-2: "Benign". The alanine amino acid residue is found in multiple mammalian species, which suggests that this missense change does not adversely affect protein function. Algorithms developed to predict the effect of sequence changes on RNA splicing suggest that this variant may create or strengthen a splice site. In summary, the available evidence is currently insufficient to determine the role of this variant in disease. Therefore, it has been classified as a Variant of Uncertain Significance.